The following is an entry in ClinVar:

ClinVar aggregate classification (germline): Uncertain significance (1 of 4 stars; one submission).

Conditions:
Multiple acyl-CoA dehydrogenase deficiency (MADD). Also called: ETHYLMALONIC-ADIPICACIDURIA; GA II; Glutaric Acidemia type 2; Glutaric acidemia type II; GA 2; Glutaric aciduria, type 2. Identifiers: Orphanet 26791, MedGen C0268596, MONDO:0009282, OMIM 231680.

Submission:

Labcorp Genetics (formerly Invitae), Labcorp
Classification: Uncertain significance for Multiple acyl-CoA dehydrogenase deficiency. Last evaluated: 2020-10-06. Review status: criteria provided, single submitter. Criteria: Invitae Variant Classification Sherloc (09022015). Collection method: clinical testing. Allele origin: germline.
Comment: This variant has not been reported in the literature in individuals with ETFA-related conditions. In summary, the available evidence is currently insufficient to determine the role of this variant in disease. Therefore, it has been classified as a Variant of Uncertain Significance. Algorithms developed to predict the effect of missense changes on protein structure and function are either unavailable or do not agree on the potential impact of this missense change (SIFT: "Tolerated"; PolyPhen-2: "Probably Damaging"; Align-GVGD: "Class C25"). This variant is not present in population databases (ExAC no frequency). This sequence change replaces proline with serine at codon 89 of the ETFA protein (p.Pro89Ser). The proline residue is moderately conserved and there is a moderate physicochemical difference between proline and serine.

NM_000126.4(ETFA):c.265C>T (p.Pro89Ser)

Gene: ETFA (electron transfer flavoprotein subunit alpha; minus strand). Cytogenetic location: 15q24.2.
Variant type: single nucleotide variant.
Coding change: c.265C>T on transcript NM_000126.4 (MANE Select); coding-DNA position 265, C replaced by T.
Protein change: p.Pro89Ser; replaces proline 89 with serine.
Molecular consequence: missense variant.
Genome position (GRCh38, 1-based): chr15:76,292,622, G>A on the plus strand (C>T on the coding strand, the complement: ETFA is on the minus strand). VCF-style: chr15-76292622-G-A. GRCh37 (hg19) VCF-style: chr15-76584963-G-A.
Other names: c.118C>T, p.Pro40Ser (NM_001127716.2); short protein forms P40S, P89S.
Identifiers: ClinVar variation 1015043 (VCV001015043.9), dbSNP rs2039778041, ClinGen allele CA393517163.
Genomic context (GRCh38, chr15:76,292,622, plus strand): 5'-ATTCATATATTCAAGCGTAATTTAGACACTACATTTTTTTCTACTGGAAAACCTCACCTG[G>A]AAGTAGGCCTTTGTACACATCATGCTGAGCCACCAGAACTTTTGCTATGCCTGCTACTTT-3'
Protein context (NP_000117.1, residues 79-99): AQHDVYKGLL[Pro89Ser]EELTPLILAT